The following is an entry in ClinVar:

NM_001605.3(AARS1):c.1687G>A (p.Val563Met)

Gene: AARS1 (alanyl-tRNA synthetase 1; minus strand). Cytogenetic location: 16q22.1.
Variant type: single nucleotide variant.
Coding change: c.1687G>A on transcript NM_001605.3 (MANE Select); coding-DNA position 1687, G replaced by A.
Protein change: p.Val563Met; replaces valine 563 with methionine.
Molecular consequence: missense variant.
Genome position (GRCh38, 1-based): chr16:70,261,142, C>T on the plus strand (G>A on the coding strand, the complement: AARS1 is on the minus strand). VCF-style: chr16-70261142-C-T. GRCh37 (hg19) VCF-style: chr16-70295045-C-T.
Other names: short protein forms V563M.
Identifiers: ClinVar variation 2030134 (VCV002030134.4), dbSNP rs1960122945, ClinGen allele CA396559625.

ClinVar aggregate classification (germline): Uncertain significance (1 of 4 stars; one submission).

Conditions:
Charcot-Marie-Tooth disease type 2. Also called: Charcot-Marie-Tooth type 2. Identifiers: Orphanet 64746, MedGen C0270914, MONDO:0018993.

Allele frequency attached by ClinVar (database versions not stated): TOPMed below 0.00001.

Submission:

Labcorp Genetics (formerly Invitae), Labcorp
Classification: Uncertain significance for Charcot-Marie-Tooth disease type 2. Last evaluated: 2022-09-12. Review status: criteria provided, single submitter. Criteria: Invitae Variant Classification Sherloc (09022015). Collection method: clinical testing. Allele origin: germline.
Comment: This variant has not been reported in the literature in individuals affected with AARS-related conditions. This variant is not present in population databases (gnomAD no frequency). This sequence change replaces valine, which is neutral and non-polar, with methionine, which is neutral and non-polar, at codon 563 of the AARS protein (p.Val563Met). Advanced modeling of protein sequence and biophysical properties (such as structural, functional, and spatial information, amino acid conservation, physicochemical variation, residue mobility, and thermodynamic stability) has been performed at Invitae for this missense variant, however the output from this modeling did not meet the statistical confidence thresholds required to predict the impact of this variant on AARS protein function. In summary, the available evidence is currently insufficient to determine the role of this variant in disease. Therefore, it has been classified as a Variant of Uncertain Significance.